The following is an entry in ClinVar:

ClinVar aggregate classification (germline): Likely benign (0 of 4 stars; one submission).

Conditions:
DHX30-related disorder. Also called: DHX30-related condition.

Allele frequency attached by ClinVar (database versions not stated): TOPMed 0.00002; gnomAD exomes 0.00003; ExAC 0.00006.
gnomAD v4.1: 15 of 1,614,148 alleles (0.00093%); highest among the groups gnomAD compares: Admixed American, 0.025%; no homozygotes.

Submission:

PreventionGenetics, part of Exact Sciences
Classification: Likely benign for DHX30-related condition. Last evaluated: 2019-10-29. Review status: no assertion criteria provided. Collection method: clinical testing. Allele origin: germline.
Comment: This variant is classified as likely benign based on ACMG/AMP sequence variant interpretation guidelines (Richards et al. 2015 PMID: 25741868, with internal and published modifications).

NM_138615.3(DHX30):c.2997C>T (p.Thr999=)

Gene: DHX30 (DExH-box helicase 30; plus strand). Cytogenetic location: 3p21.31.
Variant type: single nucleotide variant.
Coding change: c.2997C>T on transcript NM_138615.3 (MANE Select); coding-DNA position 2997, C replaced by T.
Protein change: p.Thr999=; no amino-acid change (threonine 999 retained).
Molecular consequence: synonymous variant.
Genome position (GRCh38, 1-based): chr3:47,849,259, C>T. VCF-style: chr3-47849259-C-T. GRCh37 (hg19) VCF-style: chr3-47890749-C-T.
Other names: c.2913C>T, p.Thr971= (NM_001330990.2); c.2880C>T, p.Thr960= (NM_014966.4).
Identifiers: ClinVar variation 3045381 (VCV003045381.2), dbSNP rs772855790, ClinGen allele CA2370274.